The following is an entry in ClinVar:

NM_001112741.2(KCNC1):c.1524G>T (p.Glu508Asp)

Gene: KCNC1 (potassium voltage-gated channel subfamily C member 1; plus strand). Cytogenetic location: 11p15.1.
Variant type: single nucleotide variant.
Coding change: c.1524G>T on transcript NM_001112741.2 (MANE Select); coding-DNA position 1524, G replaced by T.
Protein change: p.Glu508Asp; replaces glutamic acid 508 with aspartic acid.
Molecular consequence: missense variant.
Genome position (GRCh38, 1-based): chr11:17,779,475, G>T. VCF-style: chr11-17779475-G-T. GRCh37 (hg19) VCF-style: chr11-17801022-G-T.
Other names: p.Glu508Asp; c.1524G>T (NM_001112741.1); short protein forms E508D.
Identifiers: ClinVar variation 1393119 (VCV001393119.8), dbSNP rs767680364, ClinGen allele CA379814007.

ClinVar aggregate classification (germline): Uncertain significance. Review status: criteria provided, multiple submitters, no conflicts (2 of 4 stars). 3 submissions from 3 submitters: Uncertain significance (3). Last evaluated 2026-02-19.

Conditions:
Progressive myoclonic epilepsy type 7. Identifiers: Orphanet 435438, MedGen C4015420, MONDO:0014521, OMIM 616187.

gnomAD v4.1: 4 of 1,548,802 alleles (0.00026%); highest among the groups gnomAD compares: East Asian, 0.0098%; no homozygotes.

Submissions (3):

Genetics and Genomic Medicine Centre, NeuroGen Healthcare, NeuroGen Healthcare
Classification: Uncertain significance for Progressive myoclonic epilepsy type 7. Last evaluated: 2026-02-19. Review status: criteria provided, single submitter. Criteria: ACMG Guidelines, 2015. Collection method: clinical testing. Allele origin: unknown. Affected: yes.

Labcorp Genetics (formerly Invitae), Labcorp
Classification: Uncertain significance for Progressive myoclonic epilepsy type 7. Last evaluated: 2024-08-29. Review status: criteria provided, single submitter. Criteria: Invitae Variant Classification Sherloc (09022015). Collection method: clinical testing. Allele origin: germline.
Comment: This sequence change replaces glutamic acid, which is acidic and polar, with aspartic acid, which is acidic and polar, at codon 508 of the KCNC1 protein (p.Glu508Asp). This variant is present in population databases (no rsID available, gnomAD 0.03%). This variant has not been reported in the literature in individuals affected with KCNC1-related conditions. ClinVar contains an entry for this variant (Variation ID: 1393119). Invitae Evidence Modeling of protein sequence and biophysical properties (such as structural, functional, and spatial information, amino acid conservation, physicochemical variation, residue mobility, and thermodynamic stability) indicates that this missense variant is not expected to disrupt KCNC1 protein function with a negative predictive value of 95%. In summary, the available evidence is currently insufficient to determine the role of this variant in disease. Therefore, it has been classified as a Variant of Uncertain Significance.

Mayo Clinic Laboratories, Mayo Clinic
Classification: Uncertain significance. Last evaluated: 2022-10-03. Review status: criteria provided, single submitter. Criteria: ACMG Guidelines, 2015. Collection method: clinical testing. Allele origin: germline. Observed: 1 variant allele.
Comment: BP5